The following continues an entry in ClinVar:

NM_213599.3(ANO5):c.692G>T (p.Gly231Val)

Gene: ANO5. ClinVar aggregate classification (germline): Likely pathogenic. Likely pathogenic (1).

Submissions 22 to 35 of 35:

Laboratory for Molecular Medicine, Mass General Brigham Personalized Medicine
Classification: Pathogenic for Hereditary fructosuria. Last evaluated: 2018-08-30. Review status: criteria provided, single submitter. Criteria: LMM Criteria. Collection method: clinical testing. Allele origin: germline. Inheritance: Autosomal recessive inheritance. Observed: 1 variant allele. Not counted in ClinVar's aggregate classification.
Comment: The p.Gly231Val variant in ANO5 has been previously reported in at least 15 comp ound heterozygous and 1 homozygous individuals with ANO5-related muscle diseases , ranging from asymptomatic hyperCKemia to limb-girdle muscular dystrophy type 2L (LGMD2L) or Miyoshi muscular dystrophy, and segregated with disease in one co mpound heterozygous sibling. Three of these individuals were female and presente d with asymptomatic hyperCKemia (Bolduc 2010, Wahbi 2013, Savarese 2015, Penttil a 2012, Witting 2013, Liewluck 2013, Sarkozy 2013). Typically, females have mil der disease manifestations than males (Bolduc 2010, Penttila 2012). This variant has also been reported in ClinVar (Variation ID 2165) and identified in 0.113% (143/126350) of European chromosomes by the Genome Aggregation Database (gnomAD). Although this variant has been seen in the g eneral population, its frequency is low enough to be consistent with the disease prevalence. Computational prediction tools and conservation analysis suggest th at the p.Gly231Val variant may impact the protein. In summary, this variant meet s criteria to be classified as pathogenic for ANO5-related muscle diseases in an autosomal recessive manner based upon proband count. ACMG/AMP Criteria applied: PP3, PP1, PM3_Very Strong.

Illumina Laboratory Services, Illumina
Classification: Pathogenic for ANO5-Related Disorders. Last evaluated: 2017-04-27. Review status: criteria provided, single submitter. Criteria: ICSL Variant Classification Criteria 09 May 2019. Collection method: clinical testing. Allele origin: germline. Not counted in ClinVar's aggregate classification.
Comment: The ANO5 c.692G>T (p.Gly231Val) missense variant has been reported in five studies in which it is found in a total of nine individuals with ANO5-Related Disorders, including in one individual in a homozygous state, in six individuals in a compound heterozygous state (including two siblings), in one individual in a heterozygous state in whom a second variant was not found, and in one individual in a heterozygous state as part of a complex allele with another missense variant (Bolduc et al. 2010; Wahbi et al. 2013; PenttilÃ¤ et al. 2012; Sarkozy et al. 2012; Savarese et al. 2015). The p.Gly231Val variant was absent from 210 control chromosomes, but is reported at a frequency of 0.00402 in the Latino population of the Exome Aggregation Consortium. The Gly231 residue is conserved. Based on the collective evidence the p.Gly231Val variant is classified as pathogenic for ANO5-Related Disorders. This variant was observed by ICSL as part of a predisposition screen in an ostensibly healthy population.

Eurofins Ntd Llc (ga)
Classification: Pathogenic. Last evaluated: 2016-07-29. Review status: criteria provided, single submitter. Criteria: EGL Classification Definitions. Collection method: clinical testing. Allele origin: germline. Observed: 28 variant alleles, 28 heterozygotes. Not counted in ClinVar's aggregate classification.

Neuberg Centre For Genomic Medicine, NCGM
Classification: Likely pathogenic for Autosomal recessive limb-girdle muscular dystrophy type 2L. Review status: criteria provided, single submitter. Criteria: ACMG Guidelines, 2015. Collection method: clinical testing. Allele origin: germline. Inheritance: Autosomal recessive inheritance. Affected: yes. Not counted in ClinVar's aggregate classification.

OMIM
Classification: Pathogenic for MUSCULAR DYSTROPHY, LIMB-GIRDLE, AUTOSOMAL RECESSIVE 12. Last evaluated: 2010-02-12. Review status: no assertion criteria provided. Collection method: literature only. Allele origin: germline. Not counted in ClinVar's aggregate classification.

ANO5 @LOVD
No classification provided. Review status: no classification provided. Collection method: not provided. Allele origin: unknown. Not counted in ClinVar's aggregate classification.

Clinical Genetics DNA and cytogenetics Diagnostics Lab, Erasmus MC, Erasmus Medical Center
Classification: Likely pathogenic. Review status: no assertion criteria provided. Collection method: clinical testing. Allele origin: germline. Affected: yes. Study: VKGL Data-share Consensus. Not counted in ClinVar's aggregate classification.

Department of Pathology and Laboratory Medicine, Sinai Health System
Classification: Pathogenic. Review status: no assertion criteria provided. Collection method: clinical testing. Allele origin: unknown. Affected: yes. Study: The Canadian Open Genetics Repository (COGR). Not counted in ClinVar's aggregate classification.
Comment: The ANO5 p.G231V variant was identified as a compound heterozygous or homozygous variant in 17 of 1650 proband chromosomes (frequency: 0.01) from individuals with limb-girdle muscular dystrophy, hyperCKemia or mild dystrophic changes (Savarese_2015_PMID:25891276; Silva_2019_PMID:31353849; Bolduc_2010_PMID:20096397). The variant was identified in dbSNP (ID: rs137854523) and ClinVar (classified as pathogenic by GeneDx, Laboratory for Molecular Medicine and four other laboratories, and as likely pathogenic by Invitae and NeuroMeGen, Hospital Clinico Santiago de Compostela). The variant was identified in control databases in 274 of 282336 chromosomes (1 homozygous) at a frequency of 0.0009705 increasing the likelihood this could be a low frequency benign variant (Genome Aggregation Database March 6, 2019, v2.1.1). The variant was observed in the following populations: Latino in 95 of 35372 chromosomes (freq: 0.002686), Other in 17 of 7204 chromosomes (freq: 0.00236), European (non-Finnish) in 152 of 128838 chromosomes (freq: 0.00118), Ashkenazi Jewish in 3 of 10360 chromosomes (freq: 0.00029), African in 5 of 24968 chromosomes (freq: 0.0002) and European (Finnish) in 2 of 25092 chromosomes (freq: 0.00008), but was not observed in the East Asian or South Asian populations. The p.Gly231 residue is conserved in mammals but not in more distantly related organisms, and four out of five computational analyses (PolyPhen-2, SIFT, AlignGVGD, BLOSUM, MutationTaster) suggest that the variant may impact the protein; however, this information is not predictive enough to assume pathogenicity. The variant occurs outside of the splicing consensus sequence and in silico or computational prediction software programs (SpliceSiteFinder, MaxEntScan, NNSPLICE, GeneSplicer) do not predict a difference in splicing. In summary, based on the above information this variant meets our laboratoryâ€šÃ„Ã´s criteria to be classified as pathogenic.

Diagnostic Laboratory, Department of Genetics, University Medical Center Groningen
Classification: Pathogenic. Review status: no assertion criteria provided. Collection method: clinical testing. Allele origin: germline. Affected: yes. Study: VKGL Data-share Consensus. Not counted in ClinVar's aggregate classification.

Dr. Peter K. Rogan Lab, Western University
No classification provided (evidence only). Condition: Nonpapillary renal cell carcinoma. Review status: no classification provided. Collection method: in vitro. Allele origin: not applicable. Functional consequence: skipped exon. Not counted in ClinVar's aggregate classification.

Dr. Peter K. Rogan Lab, Western University
No classification provided (evidence only). Condition: Ovarian serous cystadenocarcinoma. Review status: no classification provided. Collection method: in vitro. Allele origin: not applicable. Functional consequence: retained intron. Not counted in ClinVar's aggregate classification.

GeneReviews
No classification provided. Condition: Autosomal recessive limb-girdle muscular dystrophy type 2L. Review status: no classification provided. Collection method: literature only. Allele origin: unknown. Not counted in ClinVar's aggregate classification.

Genome Diagnostics Laboratory, Amsterdam University Medical Center
Classification: Likely pathogenic. Review status: no assertion criteria provided. Collection method: clinical testing. Allele origin: germline. Affected: yes. Study: VKGL Data-share Consensus. Not counted in ClinVar's aggregate classification.

Laboratory of Diagnostic Genome Analysis, Leiden University Medical Center (LUMC)
Classification: Pathogenic. Review status: no assertion criteria provided. Collection method: clinical testing. Allele origin: germline. Affected: yes. Study: VKGL Data-share Consensus. Not counted in ClinVar's aggregate classification.

Literature cited by the submitters: PubMed 32367299 (cited by 4 submitters); PubMed 31353849 (cited by 6 submitters); PubMed 25891276 (cited by 10 submitters); PubMed 23606453 (cited by 7 submitters); PubMed 20096397 (cited by 10 submitters); PubMed 22402862 (cited by 8 submitters); PubMed 23041008 (cited by 8 submitters); PubMed 22980763 (cited by 7 submitters); PubMed 23663589 (cited by 5 submitters); PubMed 23670307 (cited by 6 submitters); PubMed 26810512 (cited by 5 submitters); PubMed 30919934 (cited by 4 submitters); PubMed 31931849 (cited by 3 submitters); PubMed 32403337 (cited by 4 submitters); PubMed 32528171 (cited by 3 submitters); PubMed 32646536 (cited by Labcorp Genetics (formerly Invitae), Labcorp); PubMed 32925086 (cited by Mayo Clinic Laboratories, Mayo Clinic); PubMed 36157496 (cited by Mayo Clinic Laboratories, Mayo Clinic); PubMed 28176803 (cited by Victorian Clinical Genetics Services, Murdoch Childrens Research Institute); PubMed 23193613 (cited by GeneReviews); NCBI Bookshelf NBK114459 (cited by GeneReviews).